The following is an entry in ClinVar:

ClinVar aggregate classification (germline): Uncertain significance. Review status: criteria provided, multiple submitters, no conflicts (2 of 4 stars). 2 submissions from 2 submitters: Uncertain significance (2). Last evaluated 2025-06-08.

Conditions:
Inborn genetic diseases. Identifiers: MedGen C0950123, MeSH D030342.
Familial sleep-related hypermotor epilepsy. Also called: Autosomal Dominant Sleep-Related Hypermotor (Hyperkinetic) Epilepsy. Identifiers: Orphanet 98784, MedGen C3696898, MONDO:0000030.

Allele frequency attached by ClinVar (database versions not stated): gnomAD 0.00001; TOPMed 0.00003.
gnomAD v4.1: 2 of 1,612,632 alleles (0.00012%); highest among the groups gnomAD compares: African/African-American, 0.0027%; no homozygotes.

Submissions (2):

Labcorp Genetics (formerly Invitae), Labcorp
Classification: Uncertain significance. Last evaluated: 2025-06-08. Review status: criteria provided, single submitter. Criteria: Invitae Variant Classification Sherloc (09022015). Collection method: clinical testing. Allele origin: germline.
Comment: This sequence change replaces serine, which is neutral and polar, with proline, which is neutral and non-polar, at codon 561 of the CHRNA4 protein (p.Ser561Pro). This variant is not present in population databases (gnomAD no frequency). This variant has not been reported in the literature in individuals affected with CHRNA4-related conditions. ClinVar contains an entry for this variant (Variation ID: 2368566). Invitae Evidence Modeling of protein sequence and biophysical properties (such as structural, functional, and spatial information, amino acid conservation, physicochemical variation, residue mobility, and thermodynamic stability) indicates that this missense variant is not expected to disrupt CHRNA4 protein function with a negative predictive value of 80%. In summary, the available evidence is currently insufficient to determine the role of this variant in disease. Therefore, it has been classified as a Variant of Uncertain Significance.

Ambry Genetics
Classification: Uncertain significance for Inborn genetic diseases. Last evaluated: 2022-09-19. Review status: criteria provided, single submitter. Criteria: Ambry Variant Classification Scheme 2023. Collection method: clinical testing. Allele origin: germline.

NM_000744.7(CHRNA4):c.1681T>C (p.Ser561Pro)

Gene: CHRNA4 (cholinergic receptor nicotinic alpha 4 subunit; minus strand). Cytogenetic location: 20q13.33.
Variant type: single nucleotide variant.
Coding change: c.1681T>C on transcript NM_000744.7 (MANE Select); coding-DNA position 1681, T replaced by C.
Protein change: p.Ser561Pro; replaces serine 561 with proline.
Molecular consequence: missense variant. On other transcripts: non-coding transcript variant (1).
Genome position (GRCh38, 1-based): chr20:63,349,730, A>G on the plus strand (T>C on the coding strand, the complement: CHRNA4 is on the minus strand). VCF-style: chr20-63349730-A-G. GRCh37 (hg19) VCF-style: chr20-61981082-A-G.
Other names: c.1153T>C, p.Ser385Pro (NM_001256573.2); short protein forms S561P, S385P.
Identifiers: ClinVar variation 2368566 (VCV002368566.3), dbSNP rs931741545, ClinGen allele CA317431633.
Genomic context (GRCh38, chr20:63,349,730, plus strand): 5'-CGGCCTTCAGGTGGTCTGCAATGTACTGGACGCCCTCCACCGCCCGGGTCAGGGCCGGCG[A>G]CAGGGGCAGGTGCGGGGGCGGCGCTTTGGTGCTGCGGGTCTTGACCGTGGCGCTCGGGGA-3'
Protein context (NP_000735.1, residues 551-571): TKAPPPHLPL[Ser561Pro]PALTRAVEGV